The following is an entry in ClinVar:

NM_001242896.3(DEPDC5):c.2354G>A (p.Arg785Lys)

Gene: DEPDC5 (DEP domain containing 5, GATOR1 subcomplex subunit; plus strand). Cytogenetic location: 22q12.3.
Variant type: single nucleotide variant.
Coding change: c.2354G>A on transcript NM_001242896.3 (MANE Select); coding-DNA position 2354, G replaced by A.
Protein change: p.Arg785Lys; replaces arginine 785 with lysine.
Molecular consequence: missense variant. On other transcripts: non-coding transcript variant (5).
Genome position (GRCh38, 1-based): chr22:31,837,155, G>A. VCF-style: chr22-31837155-G-A. GRCh37 (hg19) VCF-style: chr22-32233141-G-A.
Other names: c.2327G>A, p.Arg776Lys (NM_001136029.4, NM_001369903.1, NM_014662.6); c.2120G>A, p.Arg707Lys (NM_001242897.2, NM_001363854.2, NM_001364319.2); c.2354G>A, p.Arg785Lys (NM_001363852.2, NM_001364318.2, NM_001364320.2); c.2270G>A, p.Arg757Lys (NM_001369901.1, NM_001369902.1); short protein forms R785K, R757K, R776K, R707K.
Identifiers: ClinVar variation 1429418 (VCV001429418.8), dbSNP rs1346133779, ClinGen allele CA411285938.

ClinVar aggregate classification (germline): Uncertain significance (1 of 4 stars; one submission).

Conditions:
Familial focal epilepsy with variable foci (FPEVF). Identifiers: Orphanet 98820, MedGen C1858477, MONDO:0020310.

Submission:

Labcorp Genetics (formerly Invitae), Labcorp
Classification: Uncertain significance for Familial focal epilepsy with variable foci. Last evaluated: 2021-03-12. Review status: criteria provided, single submitter. Criteria: Invitae Variant Classification Sherloc (09022015). Collection method: clinical testing. Allele origin: germline.
Comment: This variant has not been reported in the literature in individuals with DEPDC5-related conditions. Algorithms developed to predict the effect of missense changes on protein structure and function are either unavailable or do not agree on the potential impact of this missense change (SIFT: "Tolerated"; PolyPhen-2: "Not Available"; Align-GVGD: "Class C0"). Nucleotide substitutions within the consensus splice site are a relatively common cause of aberrant splicing (PMID: 17576681, 9536098). Algorithms developed to predict the effect of sequence changes on RNA splicing suggest that this variant may disrupt the consensus splice site, but this prediction has not been confirmed by published transcriptional studies. In summary, the available evidence is currently insufficient to determine the role of this variant in disease. Therefore, it has been classified as a Variant of Uncertain Significance. This sequence change replaces arginine with lysine at codon 785 of the DEPDC5 protein (p.Arg785Lys). The arginine residue is highly conserved and there is a small physicochemical difference between arginine and lysine. This variant also falls at the last nucleotide of exon 26, which is part of the consensus splice site for this exon. This variant is not present in population databases (ExAC no frequency).

Literature cited by the submitters: PubMed 17576681; PubMed 9536098.